The following is an entry in ClinVar:

NM_000278.5(PAX2):c.529G>A (p.Ala177Thr)

Gene: PAX2 (paired box 2; plus strand). Cytogenetic location: 10q24.31.
Variant type: single nucleotide variant.
Coding change: c.529G>A on transcript NM_000278.5 (MANE Select); coding-DNA position 529, G replaced by A.
Protein change: p.Ala177Thr; replaces alanine 177 with threonine.
Molecular consequence: missense variant.
Genome position (GRCh38, 1-based): chr10:100,781,278, G>A. VCF-style: chr10-100781278-G-A. GRCh37 (hg19) VCF-style: chr10-102541035-G-A.
Other names: c.529G>A (NM_003987.3, NM_003990.3); c.622G>A, p.Ala208Thr (NM_001304569.2); c.529G>A, p.Ala177Thr (NM_003987.5, NM_003988.5, NM_003989.5 and 1 more transcripts); short protein forms A208T, A177T.
Identifiers: ClinVar variation 1524244 (VCV001524244.12), dbSNP rs749684940, ClinGen allele CA5650759.

ClinVar aggregate classification (germline): Uncertain significance. Review status: criteria provided, multiple submitters, no conflicts (2 of 4 stars). 4 submissions from 4 submitters: Uncertain significance (4). Last evaluated 2026-01-30.

Conditions:
Inborn genetic diseases. Identifiers: MedGen C0950123, MeSH D030342.
Renal coloboma syndrome (PAPRS). Also called: PAPILLORENAL SYNDROME; COLOBOMA OF OPTIC NERVE WITH RENAL DISEASE; CONGENITAL ANOMALIES OF THE KIDNEY AND URINARY TRACT WITH OR WITHOUT OCULAR ABNORMALITIES; CAKUT WITH OR WITHOUT OCULAR ABNORMALITIES; OPTIC COLOBOMA, VESICOURETERAL REFLUX, AND RENAL ANOMALIES; OPTIC NERVE COLOBOMA WITH RENAL DISEASE. Identifiers: Orphanet 1475, MedGen C1852759, MONDO:0007352, OMIM 120330.
Focal segmental glomerulosclerosis 7 (FSGS7). Identifiers: Orphanet 656, MedGen C4014925, MONDO:0014451, OMIM 616002.

Allele frequency attached by ClinVar (database versions not stated): gnomAD exomes 0.00002 and 0.00004; ExAC 0.00004; gnomAD 0.00007.

Submissions (4):

GeneDx
Classification: Uncertain significance. Last evaluated: 2026-01-30. Review status: criteria provided, single submitter. Criteria: GeneDx Variant Classification Process June 2021. Collection method: clinical testing. Allele origin: germline.
Comment: In silico analysis suggests that this missense variant does not alter protein structure/function; This variant is associated with the following publications: (PMID: 34059960, 34696790, 36549658)

Labcorp Genetics (formerly Invitae), Labcorp
Classification: Uncertain significance for Renal coloboma syndrome; Focal segmental glomerulosclerosis 7. Last evaluated: 2025-10-02. Review status: criteria provided, single submitter. Criteria: Invitae Variant Classification Sherloc (09022015). Collection method: clinical testing. Allele origin: germline.
Comment: This sequence change replaces alanine, which is neutral and non-polar, with threonine, which is neutral and polar, at codon 177 of the PAX2 protein (p.Ala177Thr). This variant is present in population databases (rs749684940, gnomAD 0.02%). This missense change has been observed in individual(s) with clinical features of PAX2-related conditions (PMID: 34059960, 34696790, 36549658). ClinVar contains an entry for this variant (Variation ID: 1524244). An algorithm developed to predict the effect of missense changes on protein structure and function outputs the following: PolyPhen-2: "Possibly Damaging". The threonine amino acid residue is found in multiple mammalian species, which suggests that this missense change does not adversely affect protein function. In summary, the available evidence is currently insufficient to determine the role of this variant in disease. Therefore, it has been classified as a Variant of Uncertain Significance.

Fulgent Genetics
Classification: Uncertain significance for Renal coloboma syndrome; Focal segmental glomerulosclerosis 7. Last evaluated: 2022-04-19. Review status: criteria provided, single submitter. Criteria: ACMG Guidelines, 2015. Collection method: clinical testing. Allele origin: unknown.

Ambry Genetics
Classification: Uncertain significance for Inborn genetic diseases. Last evaluated: 2021-07-06. Review status: criteria provided, single submitter. Criteria: Ambry Variant Classification Scheme 2023. Collection method: clinical testing. Allele origin: germline.

Literature cited by the submitters: PubMed 34059960 (cited by Labcorp Genetics (formerly Invitae), Labcorp); PubMed 34696790 (cited by Labcorp Genetics (formerly Invitae), Labcorp); PubMed 36549658 (cited by Labcorp Genetics (formerly Invitae), Labcorp).